The following is an entry in ClinVar:

ClinVar aggregate classification (germline): Uncertain significance (1 of 4 stars; one submission).

Conditions:
Heterotopia, periventricular, X-linked dominant (PVNH1). Also called: PERIVENTRICULAR NODULAR HETEROTOPIA 1; X-linked periventricular heterotopia; PERIVENTRICULAR NODULAR HETEROTOPIA 4; HETEROTOPIA, PERIVENTRICULAR, 1. Identifiers: Orphanet 2149, Orphanet 82004, MedGen C1848213, MONDO:0010233, OMIM 300049.
Oto-palato-digital syndrome, type II (OPD2). Also called: OPD II SYNDROME; Otopalatodigital Syndrome, Type II; Otopalatodigital Syndrome Type 2 (FLNA-OPD2); FACIOPALATOOSSEOUS SYNDROME. Identifiers: Orphanet 669, Orphanet 90652, MedGen C1844696, MONDO:0010571, OMIM 304120.
Melnick-Needles syndrome (MNS). Also called: MELNICK-NEEDLES OSTEODYSPLASTY; OSTEODYSPLASTY OF MELNICK AND NEEDLES; Melnick-Needles Syndrome (FLNA-MNS). Identifiers: Orphanet 2484, MedGen C0025237, MONDO:0010650, OMIM 309350.
Frontometaphyseal dysplasia (FMD1). Identifiers: Orphanet 1826, MedGen C0265293, MONDO:0015942.

Submission:

Labcorp Genetics (formerly Invitae), Labcorp
Classification: Uncertain significance for Oto-palato-digital syndrome, type II; Heterotopia, periventricular, X-linked dominant; Frontometaphyseal dysplasia; Melnick-Needles syndrome. Last evaluated: 2022-03-27. Review status: criteria provided, single submitter. Criteria: Invitae Variant Classification Sherloc (09022015). Collection method: clinical testing. Allele origin: germline.
Comment: In summary, the available evidence is currently insufficient to determine the role of this variant in disease. Therefore, it has been classified as a Variant of Uncertain Significance. Advanced modeling of protein sequence and biophysical properties (such as structural, functional, and spatial information, amino acid conservation, physicochemical variation, residue mobility, and thermodynamic stability) performed at Invitae indicates that this missense variant is expected to disrupt FLNA protein function. This variant has not been reported in the literature in individuals affected with FLNA-related conditions. This variant is not present in population databases (gnomAD no frequency). This sequence change replaces glycine, which is neutral and non-polar, with valine, which is neutral and non-polar, at codon 641 of the FLNA protein (p.Gly641Val).

NM_001110556.2(FLNA):c.1922G>T (p.Gly641Val)

Gene: FLNA (filamin A; minus strand). Cytogenetic location: Xq28.
Variant type: single nucleotide variant.
Coding change: c.1922G>T on transcript NM_001110556.2 (MANE Select); coding-DNA position 1922, G replaced by T.
Protein change: p.Gly641Val; replaces glycine 641 with valine.
Molecular consequence: missense variant.
Genome position (GRCh38, 1-based): chrX:154,364,626, C>A on the plus strand (G>T on the coding strand, the complement: FLNA is on the minus strand). VCF-style: chrX-154364626-C-A. GRCh37 (hg19) VCF-style: chrX-153592994-C-A.
Other names: c.1922G>T, p.Gly641Val (NM_001456.4); short protein forms G641V.
Identifiers: ClinVar variation 1346831 (VCV001346831.6), dbSNP rs2148116278, ClinGen allele CA415241620.
Genomic context (GRCh38, chrX:154,364,626, plus strand): 5'-GCCATGAAGGGGCTGAGGCGGATGTCTTCGCTGTTGCACAGCACGTGAACGGCATACTCG[C>A]CAGCCTCCTGCGGCCAGTAGCGCACATCACAGGAGCCGTCGCCCTTGTCGTCACATTCGA-3'
Protein context (NP_001104026.1, residues 631-651): CDVRYWPQEA[Gly641Val]EYAVHVLCNS